The following is an entry in ClinVar:

ClinVar aggregate classification (germline): Likely benign. Review status: criteria provided, multiple submitters, no conflicts (2 of 4 stars). 2 submissions from 2 submitters: Likely benign (2). Last evaluated 2024-10-22.

Allele frequency attached by ClinVar (database versions not stated): ExAC 0.00185.

Submissions (2):

Ambry Genetics
Classification: Likely benign. Last evaluated: 2024-10-22. Review status: criteria provided, single submitter. Criteria: Ambry Variant Classification Scheme 2023. Collection method: clinical testing. Allele origin: germline.

CeGaT Center for Human Genetics Tuebingen
Classification: Likely benign. Last evaluated: 2024-01-01. Review status: criteria provided, single submitter. Criteria: CeGaT Center For Human Genetics Tuebingen Variant Classification Criteria Version 2. Collection method: clinical testing. Allele origin: germline. Affected: yes. Observed: 1 variant allele.
Comment: PRAMEF2: BS2

NM_023014.1(PRAMEF2):c.374T>C (p.Phe125Ser)

Genes: PRAMEF2 (PRAME family member 2; plus strand), LOC126805622 (CDK7 strongly-dependent group 2 enhancer GRCh37_chr1:12919058-12920257; plus strand). Cytogenetic location: 1p36.21.
Variant type: single nucleotide variant.
Coding change: c.374T>C on transcript NM_023014.1 (MANE Select); coding-DNA position 374, T replaced by C.
Protein change: p.Phe125Ser; replaces phenylalanine 125 with serine.
Molecular consequence: missense variant.
Genome position (GRCh38, 1-based): chr1:12,859,779, T>C. VCF-style: chr1-12859779-T-C. GRCh37 (hg19) VCF-style: chr1-12919634-T-C.
Other names: short protein forms F125S.
Identifiers: ClinVar variation 3025422 (VCV003025422.23), dbSNP rs140362402, ClinGen allele CA608005.